The following is an entry in ClinVar:

ClinVar aggregate classification (germline): Uncertain significance (1 of 4 stars; one submission).

Submission:

Labcorp Genetics (formerly Invitae), Labcorp
Classification: Uncertain significance. Last evaluated: 2025-06-30. Review status: criteria provided, single submitter. Criteria: Invitae Variant Classification Sherloc (09022015). Collection method: clinical testing. Allele origin: germline.
Comment: This sequence change replaces histidine, which is basic and polar, with arginine, which is basic and polar, at codon 1783 of the TCF20 protein (p.His1783Arg). This variant is not present in population databases (gnomAD no frequency). This variant has not been reported in the literature in individuals affected with TCF20-related conditions. An algorithm developed to predict the effect of missense changes on protein structure and function (PolyPhen-2) suggests that this variant is likely to be disruptive. In summary, the available evidence is currently insufficient to determine the role of this variant in disease. Therefore, it has been classified as a Variant of Uncertain Significance.

NM_001378418.1(TCF20):c.5348A>G (p.His1783Arg)

Gene: TCF20 (transcription factor 20; minus strand). Cytogenetic location: 22q13.2.
Variant type: single nucleotide variant.
Coding change: c.5348A>G on transcript NM_001378418.1 (MANE Select); coding-DNA position 5348, A replaced by G.
Protein change: p.His1783Arg; replaces histidine 1783 with arginine.
Molecular consequence: missense variant.
Genome position (GRCh38, 1-based): chr22:42,209,958, T>C on the plus strand (A>G on the coding strand, the complement: TCF20 is on the minus strand). VCF-style: chr22-42209958-T-C. GRCh37 (hg19) VCF-style: chr22-42605964-T-C.
Other names: c.5348A>G, p.His1783Arg (NM_005650.4, NM_181492.3); short protein forms H1783R.
Identifiers: ClinVar variation 4717734 (VCV004717734.1).